The following is an entry in ClinVar:

NM_003136.4(SRP54):c.836T>C (p.Ile279Thr)

Gene: SRP54 (signal recognition particle 54; plus strand). Cytogenetic location: 14q13.2.
Variant type: single nucleotide variant.
Coding change: c.836T>C on transcript NM_003136.4 (MANE Select); coding-DNA position 836, T replaced by C.
Protein change: p.Ile279Thr; replaces isoleucine 279 with threonine.
Molecular consequence: missense variant.
Genome position (GRCh38, 1-based): chr14:35,013,852, T>C. VCF-style: chr14-35013852-T-C. GRCh37 (hg19) VCF-style: chr14-35483058-T-C.
Other names: c.689T>C, p.Ile230Thr (NM_001146282.2); c.836T>C, p.Ile279Thr (NM_001411017.1); short protein forms I230T, I279T.
Identifiers: ClinVar variation 2835459 (VCV002835459.3), dbSNP rs776316751, ClinGen allele CA7153696.
Genomic context (GRCh38, chr14:35,013,852, plus strand): 5'-TTTTTTCCAGAGTCGCTGCCACAAAAAGTCCGATTATTTTCATTGGTACAGGGGAACATA[T>C]AGATGACTTTGAACCTTTCAAAACACAGCCTTTTATTAGCAAACTTCTTGGTATGTACAG-3'
Protein context (NP_003127.1, residues 269-289): PIIFIGTGEH[Ile279Thr]DDFEPFKTQP

ClinVar aggregate classification (germline): Uncertain significance (1 of 4 stars; one submission).

Allele frequency attached by ClinVar (database versions not stated): gnomAD exomes below 0.00001; ExAC 0.00001.
gnomAD v4.1: 1 of 1,614,098 alleles (0.000062%); highest among the groups gnomAD compares: Non-Finnish European, 0.000085%; no homozygotes.

Submission:

Labcorp Genetics (formerly Invitae), Labcorp
Classification: Uncertain significance. Last evaluated: 2024-03-12. Review status: criteria provided, single submitter. Criteria: Invitae Variant Classification Sherloc (09022015). Collection method: clinical testing. Allele origin: germline.
Comment: This sequence change replaces isoleucine, which is neutral and non-polar, with threonine, which is neutral and polar, at codon 279 of the SRP54 protein (p.Ile279Thr). This variant is present in population databases (rs776316751, gnomAD 0.0009%). This variant has not been reported in the literature in individuals affected with SRP54-related conditions. Advanced modeling of protein sequence and biophysical properties (such as structural, functional, and spatial information, amino acid conservation, physicochemical variation, residue mobility, and thermodynamic stability) performed at Invitae indicates that this missense variant is not expected to disrupt SRP54 protein function with a negative predictive value of 80%. In summary, the available evidence is currently insufficient to determine the role of this variant in disease. Therefore, it has been classified as a Variant of Uncertain Significance.